The following is an entry in ClinVar:

ClinVar aggregate classification (germline): Likely benign. Review status: criteria provided, multiple submitters, no conflicts (2 of 4 stars). 2 submissions from 2 submitters: Likely benign (2). Last evaluated 2025-08-07.

Conditions:
Breast-ovarian cancer, familial, susceptibility to, 3. Also called: RAD51C-Related Breast/Ovarian Cancer. Identifiers: Orphanet 145, MedGen C3150659, MONDO:0013253, OMIM 613399.
Fanconi anemia complementation group O. Also called: RAD51C-Related Fanconi Anemia. Identifiers: MONDO:0013248, OMIM 613390, Orphanet 84, MedGen C3150653.

Allele frequency attached by ClinVar (database versions not stated): TOPMed below 0.00001.

Submissions (2):

Labcorp Genetics (formerly Invitae), Labcorp
Classification: Likely benign for Fanconi anemia complementation group O. Last evaluated: 2025-08-07. Review status: criteria provided, single submitter. Criteria: Invitae Variant Classification Sherloc (09022015). Collection method: clinical testing. Allele origin: germline.

Myriad Genetics, Inc.
Classification: Likely benign for Breast-ovarian cancer, familial, susceptibility to, 3. Last evaluated: 2025-02-18. Review status: criteria provided, single submitter. Criteria: Myriad Autosomal Dominant, Autosomal Recessive and X-Linked Classification Criteria (2023). Collection method: clinical testing. Allele origin: unknown.
Comment: This variant is considered likely benign. This variant is intronic and is not expected to impact mRNA splicing.

NM_058216.3(RAD51C):c.405-15T>C

Gene: RAD51C (RAD51 paralog C; plus strand). Cytogenetic location: 17q22.
Variant type: single nucleotide variant.
Coding change: c.405-15T>C on transcript NM_058216.3 (MANE Select); 15 bases into the intron before coding-DNA position 405, T replaced by C.
Molecular consequence: intron variant.
Genome position (GRCh38, 1-based): chr17:58,696,678, T>C. VCF-style: chr17-58696678-T-C. GRCh37 (hg19) VCF-style: chr17-56774039-T-C.
Identifiers: ClinVar variation 1971345 (VCV001971345.6), dbSNP rs2048019937, ClinGen allele CA2267816130.